The following is an entry in ClinVar:

ClinVar aggregate classification (germline): Conflicting classifications of pathogenicity. Review status: criteria provided, conflicting classifications (1 of 4 stars). 4 submissions from 4 submitters: Uncertain significance (2); Likely benign (2). Last evaluated 2025-10-20.

Conditions:
Hereditary cancer-predisposing syndrome. Also called: Neoplastic Syndromes, Hereditary; Tumor predisposition; Hereditary neoplastic syndrome; Hereditary Cancer Syndrome. Identifiers: Orphanet 140162, MedGen C0027672, MeSH D009386, MONDO:0015356.
Hereditary breast ovarian cancer syndrome. Also called: Hereditary breast and ovarian cancer; Hereditary breast and ovarian cancer syndrome (HBOC); Hereditary breast and/or ovarian cancer syndrome; BRCA1- and BRCA2-Associated Hereditary Breast and Ovarian Cancer; Hereditary breast and ovarian cancer syndrome; Breast and ovarian cancer. Identifiers: Orphanet 145, MedGen C0677776, MeSH D061325, MONDO:0003582. Disease mechanism: loss of function.

Submissions (4):

Labcorp Genetics (formerly Invitae), Labcorp
Classification: Uncertain significance for Hereditary breast ovarian cancer syndrome. Last evaluated: 2025-10-20. Review status: criteria provided, single submitter. Criteria: Invitae Variant Classification Sherloc (09022015). Collection method: clinical testing. Allele origin: germline.
Comment: This sequence change replaces aspartic acid, which is acidic and polar, with glycine, which is neutral and non-polar, at codon 1345 of the BRCA2 protein (p.Asp1345Gly). This variant is not present in population databases (gnomAD no frequency). This variant has not been reported in the literature in individuals affected with BRCA2-related conditions. ClinVar contains an entry for this variant (Variation ID: 1213637). Invitae Evidence Modeling of protein sequence and biophysical properties (such as structural, functional, and spatial information, amino acid conservation, physicochemical variation, residue mobility, and thermodynamic stability) indicates that this missense variant is not expected to disrupt BRCA2 protein function with a negative predictive value of 95%. In summary, the available evidence is currently insufficient to determine the role of this variant in disease. Therefore, it has been classified as a Variant of Uncertain Significance.

Ambry Genetics
Classification: Likely benign for Hereditary cancer-predisposing syndrome. Last evaluated: 2025-09-15. Review status: criteria provided, single submitter. Criteria: Ambry Variant Classification Scheme 2023. Collection method: clinical testing. Allele origin: germline.

University of Washington Department of Laboratory Medicine, University of Washington
Classification: Likely benign for Hereditary cancer-predisposing syndrome. Last evaluated: 2023-03-23. Review status: criteria provided, single submitter. Criteria: Dines et al. (Genet Med. 2020). Collection method: curation. Allele origin: germline.
Comment: Missense variant in a coldspot region where missense variants are very unlikely to be pathogenic (PMID:31911673).

BRCA2 exon 11 coldspot. Reclassification based on statistical prior probability.

GeneDx
Classification: Uncertain significance. Last evaluated: 2019-10-11. Review status: criteria provided, single submitter. Criteria: GeneDx Variant Classification Process June 2021. Collection method: clinical testing. Allele origin: germline. Affected: yes.
Comment: Not observed in large population cohorts (Lek et al., 2016); In silico analysis, which includes protein predictors and evolutionary conservation, supports a deleterious effect; Has not been previously published as pathogenic or benign to our knowledge

NM_000059.4(BRCA2):c.4034A>G (p.Asp1345Gly)

Gene: BRCA2 (BRCA2 DNA repair associated; plus strand). Cytogenetic location: 13q13.1.
Variant type: single nucleotide variant.
Coding change: c.4034A>G on transcript NM_000059.4 (MANE Select); coding-DNA position 4034, A replaced by G.
Protein change: p.Asp1345Gly; replaces aspartic acid 1345 with glycine.
Molecular consequence: missense variant.
Genome position (GRCh38, 1-based): chr13:32,338,389, A>G. VCF-style: chr13-32338389-A-G. GRCh37 (hg19) VCF-style: chr13-32912526-A-G.
Other names: short protein forms D1345G.
Identifiers: ClinVar variation 1213637 (VCV001213637.11), dbSNP rs2137502285, ClinGen allele CA387779075.